The following is an entry in ClinVar:

NM_001353345.2(SETD1B):c.3017C>G (p.Pro1006Arg)

Gene: SETD1B (SET domain containing 1B, histone lysine methyltransferase; plus strand). Cytogenetic location: 12q24.31.
Variant type: single nucleotide variant.
Coding change: c.3017C>G on transcript NM_001353345.2 (MANE Select); coding-DNA position 3017, C replaced by G.
Protein change: p.Pro1006Arg; replaces proline 1006 with arginine.
Molecular consequence: missense variant.
Genome position (GRCh38, 1-based): chr12:121,817,409, C>G. VCF-style: chr12-121817409-C-G. GRCh37 (hg19) VCF-style: chr12-122255315-C-G.
Other names: short protein forms P1006R.
Identifiers: ClinVar variation 3342210 (VCV003342210.16).

ClinVar aggregate classification (germline): Uncertain significance (1 of 4 stars; one submission).

gnomAD v4.1: 37 of 1,534,624 alleles (0.0024%); highest among the groups gnomAD compares: East Asian, 0.027%; no homozygotes.

Submission:

CeGaT Center for Human Genetics Tuebingen
Classification: Uncertain significance. Last evaluated: 2024-08-01. Review status: criteria provided, single submitter. Criteria: CeGaT Center For Human Genetics Tuebingen Variant Classification Criteria Version 2. Collection method: clinical testing. Allele origin: germline. Affected: yes. Observed: 1 variant allele.
Comment: SETD1B: PP2